The following is an entry in ClinVar:

ClinVar aggregate classification (germline): Conflicting classifications of pathogenicity. Review status: criteria provided, conflicting classifications (1 of 4 stars). 3 submissions from 3 submitters: Uncertain significance (1); Likely benign (2). Last evaluated 2025-12-18.

Conditions:
Bethlem myopathy 1A. Also called: Bethlem myopathy 1; MYOPATHY, BENIGN CONGENITAL, WITH CONTRACTURES; Bethlem Muscular Dystrophy. Identifiers: Orphanet 610, MedGen CN029274, MONDO:0024530, OMIM 158810.

Allele frequency attached by ClinVar (database versions not stated): gnomAD 0.00001; TOPMed 0.00002; ESP Exome Variant Server 0.00008.

Submissions (3):

Labcorp Genetics (formerly Invitae), Labcorp
Classification: Likely benign for Bethlem myopathy 1A. Last evaluated: 2025-12-18. Review status: criteria provided, single submitter. Criteria: Invitae Variant Classification Sherloc (09022015). Collection method: clinical testing. Allele origin: germline.

CeGaT Center for Human Genetics Tuebingen
Classification: Likely benign. Last evaluated: 2023-07-01. Review status: criteria provided, single submitter. Criteria: CeGaT Center For Human Genetics Tuebingen Variant Classification Criteria Version 2. Collection method: clinical testing. Allele origin: germline. Affected: yes. Observed: 2 variant alleles.
Comment: COL6A1: BP4, BP7

Eurofins Ntd Llc (ga)
Classification: Uncertain significance. Last evaluated: 2017-10-02. Review status: criteria provided, single submitter. Criteria: EGL Classification Definitions 2015. Collection method: clinical testing. Allele origin: germline. Observed: 1 variant allele, 1 heterozygote.

NM_001848.3(COL6A1):c.2643G>A (p.Thr881=)

Gene: COL6A1 (collagen type VI alpha 1 chain; plus strand). Cytogenetic location: 21q22.3.
Variant type: single nucleotide variant.
Coding change: c.2643G>A on transcript NM_001848.3 (MANE Select); coding-DNA position 2643, G replaced by A.
Protein change: p.Thr881=; no amino-acid change (threonine 881 retained).
Molecular consequence: synonymous variant.
Genome position (GRCh38, 1-based): chr21:46,003,569, G>A. VCF-style: chr21-46003569-G-A. GRCh37 (hg19) VCF-style: chr21-47423483-G-A.
Identifiers: ClinVar variation 594260 (VCV000594260.37), dbSNP rs372725624, ClinGen allele CA10070990.
Genomic context (GRCh38, chr21:46,003,569, plus strand): 5'-AGCGGGCAGGACGGACCCCGCCCACGACGTGCGGGTGGCGGTGGTGCAGTACAGCGGCAC[G>A]GGCCAGCAGCGCCCAGAGCGGGCGTCGCTGCAGTTCCTGCAGAACTACACGGCCCTGGCC-3'
Protein context (NP_001839.2, residues 871-891): VRVAVVQYSG[Thr881=]GQQRPERASL